The following is an entry in ClinVar:

NM_004168.4(SDHA):c.1778C>A (p.Ala593Asp)

Gene: SDHA (succinate dehydrogenase complex flavoprotein subunit A; plus strand). Cytogenetic location: 5p15.33.
Variant type: single nucleotide variant.
Coding change: c.1778C>A on transcript NM_004168.4 (MANE Select); coding-DNA position 1778, C replaced by A.
Protein change: p.Ala593Asp; replaces alanine 593 with aspartic acid.
Molecular consequence: missense variant. On other transcripts: intron variant (1).
Genome position (GRCh38, 1-based): chr5:251,452, C>A. VCF-style: chr5-251452-C-A. GRCh37 (hg19) VCF-style: chr5-251567-C-A.
Other names: c.1634C>A, p.Ala545Asp (NM_001294332.2); c.1552-2941C>A (NM_001330758.2); short protein forms A545D, A593D.
Identifiers: ClinVar variation 949352 (VCV000949352.10), dbSNP rs1736827451, ClinGen allele CA359000407.
Genomic context (GRCh38, chr5:251,452, plus strand): 5'-TGTGTGCGCTGCAGACCATCTACGGAGCAGAGGCACGGAAGGAGTCACGGGGCGCGCATG[C>A]CAGGGAAGACTACAAGGTGGGCCTTCTCACCACGCCCACCTGCACCTGCCTTTTCCTGCC-3'
Protein context (NP_004159.2, residues 583-603): EARKESRGAH[Ala593Asp]REDYKVRIDE

ClinVar aggregate classification (germline): Uncertain significance (1 of 4 stars; one submission).

Conditions:
Mitochondrial complex II deficiency, nuclear type 1. Also called: SUCCINATE CoQ REDUCTASE DEFICIENCY. Identifiers: Orphanet 3208, MedGen C5700310, MONDO:0100294, OMIM 252011.
Pheochromocytoma/paraganglioma syndrome 5. Also called: Paragangliomas 5; SDHA-Related Hereditary Paraganglioma-Pheochromocytoma Syndrome. Identifiers: Orphanet 29072, MedGen C3279992, MONDO:0013602, OMIM 614165.

Submission:

Labcorp Genetics (formerly Invitae), Labcorp
Classification: Uncertain significance for Pheochromocytoma/paraganglioma syndrome 5; Mitochondrial complex II deficiency, nuclear type 1. Last evaluated: 2025-08-11. Review status: criteria provided, single submitter. Criteria: Invitae Variant Classification Sherloc (09022015). Collection method: clinical testing. Allele origin: germline.
Comment: This sequence change replaces alanine, which is neutral and non-polar, with aspartic acid, which is acidic and polar, at codon 593 of the SDHA protein (p.Ala593Asp). This variant is not present in population databases (gnomAD no frequency). This variant has not been reported in the literature in individuals affected with SDHA-related conditions. ClinVar contains an entry for this variant (Variation ID: 949352). Invitae Evidence Modeling of protein sequence and biophysical properties (such as structural, functional, and spatial information, amino acid conservation, physicochemical variation, residue mobility, and thermodynamic stability) has been performed for this missense variant. However, the output from this modeling did not meet the statistical confidence thresholds required to predict the impact of this variant on SDHA protein function. In summary, the available evidence is currently insufficient to determine the role of this variant in disease. Therefore, it has been classified as a Variant of Uncertain Significance.